The following is an entry in ClinVar:

NM_004408.4(DNM1):c.1678G>C (p.Glu560Gln)

Gene: DNM1 (dynamin 1; plus strand). Cytogenetic location: 9q34.11.
Variant type: single nucleotide variant.
Coding change: c.1678G>C on transcript NM_004408.4 (MANE Select); coding-DNA position 1678, G replaced by C.
Protein change: p.Glu560Gln; replaces glutamic acid 560 with glutamine.
Molecular consequence: missense variant.
Genome position (GRCh38, 1-based): chr9:128,246,400, G>C. VCF-style: chr9-128246400-G-C. GRCh37 (hg19) VCF-style: chr9-131008679-G-C.
Other names: c.1678G>C, p.Glu560Gln (NM_001005336.3, NM_001288737.2, NM_001288738.2 and 2 more transcripts); short protein forms E560Q.
Identifiers: ClinVar variation 2859357 (VCV002859357.3), dbSNP rs2539098767, ClinGen allele CA375026774.

ClinVar aggregate classification (germline): Uncertain significance (1 of 4 stars; one submission).

Conditions:
Developmental and epileptic encephalopathy, 31A. Also called: Epileptic encephalopathy, early infantile, 31; Developmental and epileptic encephalopathy, 31. Identifiers: Orphanet 2382, MedGen C4225357, MONDO:0014598, OMIM 616346.

Submission:

Labcorp Genetics (formerly Invitae), Labcorp
Classification: Uncertain significance for Developmental and epileptic encephalopathy, 31A. Last evaluated: 2023-09-19. Review status: criteria provided, single submitter. Criteria: Invitae Variant Classification Sherloc (09022015). Collection method: clinical testing. Allele origin: germline.
Comment: Advanced modeling of protein sequence and biophysical properties (such as structural, functional, and spatial information, amino acid conservation, physicochemical variation, residue mobility, and thermodynamic stability) has been performed at Invitae for this missense variant, however the output from this modeling did not meet the statistical confidence thresholds required to predict the impact of this variant on DNM1 protein function. In summary, the available evidence is currently insufficient to determine the role of this variant in disease. Therefore, it has been classified as a Variant of Uncertain Significance. This variant has not been reported in the literature in individuals affected with DNM1-related conditions. This variant is not present in population databases (gnomAD no frequency). This sequence change replaces glutamic acid, which is acidic and polar, with glutamine, which is neutral and polar, at codon 560 of the DNM1 protein (p.Glu560Gln).